The following is an entry in ClinVar:

ClinVar aggregate classification (germline): Conflicting classifications of pathogenicity. Review status: criteria provided, conflicting classifications (1 of 4 stars). 4 submissions from 4 submitters: Uncertain significance (1); Likely benign (3). Last evaluated 2025-12-13.

Conditions:
GM3 synthase deficiency (SPDRS). Also called: SALT AND PEPPER MENTAL RETARDATION SYNDROME; AMISH INFANTILE EPILEPSY SYNDROME; SALT AND PEPPER DEVELOPMENTAL REGRESSION SYNDROME. Identifiers: Orphanet 171714, Orphanet 370933, MedGen C1836824, MONDO:0018274, OMIM 609056.

Allele frequency attached by ClinVar (database versions not stated): gnomAD exomes 0.00009 and 0.00033; ESP Exome Variant Server 0.00015; TOPMed 0.00024; gnomAD 0.00025 and 0.00030; ExAC 0.00031; 1000 Genomes Project 0.00140; 1000 Genomes Project 30x 0.00141.
gnomAD v4.1: 203 of 1,614,006 alleles (0.013%); highest among the groups gnomAD compares: East Asian, 0.18%; 1 homozygote.

Submissions (4):

Labcorp Genetics (formerly Invitae), Labcorp
Classification: Likely benign for GM3 synthase deficiency. Last evaluated: 2025-12-13. Review status: criteria provided, single submitter. Criteria: Invitae Variant Classification Sherloc (09022015). Collection method: clinical testing. Allele origin: germline.

Blueprint Genetics
Classification: Likely benign. Last evaluated: 2024-06-04. Review status: criteria provided, single submitter. Criteria: ACMG Guidelines, 2015. Collection method: clinical testing. Allele origin: germline.

Illumina Laboratory Services, Illumina
Classification: Likely benign for GM3 synthase deficiency. Last evaluated: 2018-01-12. Review status: criteria provided, single submitter. Criteria: ICSL Variant Classification Criteria 13 December 2019. Collection method: clinical testing. Allele origin: germline.
Comment: This variant was observed in the ICSL laboratory as part of a predisposition screen in an ostensibly healthy population. It had not been previously curated by ICSL or reported in the Human Gene Mutation Database (HGMD: prior to June 1st, 2018), and was therefore a candidate for classification through an automated scoring system. Utilizing variant allele frequency, disease prevalence and penetrance estimates, and inheritance mode, an automated score was calculated to assess if this variant is too frequent to cause the disease. Based on the score and internal cut-off values, a variant classified as likely benign is not then subjected to further curation. The score for this variant resulted in a classification of likely benign for this disease.

Eurofins Ntd Llc (ga)
Classification: Uncertain significance. Last evaluated: 2017-06-12. Review status: criteria provided, single submitter. Criteria: EGL Classification Definitions 2015. Collection method: clinical testing. Allele origin: germline. Observed: 1 variant allele, 1 heterozygote.

NM_003896.4(ST3GAL5):c.1036G>A (p.Val346Ile)

Gene: ST3GAL5 (ST3 beta-galactoside alpha-2,3-sialyltransferase 5; minus strand). Cytogenetic location: 2p11.2.
Variant type: single nucleotide variant.
Coding change: c.1036G>A on transcript NM_003896.4 (MANE Select); coding-DNA position 1036, G replaced by A.
Protein change: p.Val346Ile; replaces valine 346 with isoleucine.
Molecular consequence: missense variant.
Genome position (GRCh38, 1-based): chr2:85,840,365, C>T on the plus strand (G>A on the coding strand, the complement: ST3GAL5 is on the minus strand). VCF-style: chr2-85840365-C-T. GRCh37 (hg19) VCF-style: chr2-86067488-C-T.
Other names: c.967G>A, p.Val323Ile (NM_001042437.2); c.652G>A, p.Val218Ile (NM_001354223.2, NM_001354224.2, NM_001354226.2 and 3 more transcripts); c.952G>A, p.Val318Ile (NM_001354227.2, NM_001354229.2, NM_001354238.1); c.313G>A, p.Val105Ile (NM_001354247.1); c.877G>A, p.Val293Ile (NM_001363847.1); short protein forms V346I, V105I, V218I, V318I, V323I, V293I.
Identifiers: ClinVar variation 337334 (VCV000337334.21), dbSNP rs145738225, ClinGen allele CA1744892.
Genomic context (GRCh38, chr2:85,840,365, plus strand): 5'-TGAGGTCATATCCAAAACCCGCCAAACTGACTTCATCGCACAGATGTGTGGCTAAGACAA[C>T]GGCAATGACACCGATTGTGGGGACGTTCTGAGAAAGGGAAAAGAAGACCAAAAAGTAAAA-3'
Protein context (NP_003887.3, residues 336-356): KNVPTIGVIA[Val346Ile]VLATHLCDEV